The following is an entry in ClinVar:

NM_021975.4(RELA):c.547A>G (p.Ile183Val)

Gene: RELA (RELA proto-oncogene, NF-kB subunit; minus strand). Cytogenetic location: 11q13.1.
Variant type: single nucleotide variant.
Coding change: c.547A>G on transcript NM_021975.4 (MANE Select); coding-DNA position 547, A replaced by G.
Protein change: p.Ile183Val; replaces isoleucine 183 with valine.
Molecular consequence: missense variant.
Genome position (GRCh38, 1-based): chr11:65,659,678, T>C on the plus strand (A>G on the coding strand, the complement: RELA is on the minus strand). VCF-style: chr11-65659678-T-C. GRCh37 (hg19) VCF-style: chr11-65427149-T-C.
Other names: c.538A>G, p.Ile180Val (NM_001145138.2); c.547A>G, p.Ile183Val (NM_001243984.2, NM_001243985.2, NM_001404659.1 and 1 more transcripts); c.580A>G, p.Ile194Val (NM_001404657.1); c.520A>G, p.Ile174Val (NM_001404658.1); c.166A>G, p.Ile56Val (NM_001404661.1); c.454A>G, p.Ile152Val (NM_001404662.1, NM_001404663.1); short protein forms I180V, I152V, I174V, I194V, I56V, I183V.
Identifiers: ClinVar variation 2109147 (VCV002109147.4), dbSNP rs1241103660, ClinGen allele CA381392690.

ClinVar aggregate classification (germline): Uncertain significance (1 of 4 stars; one submission).

Allele frequency attached by ClinVar (database versions not stated): gnomAD exomes below 0.00001; TOPMed below 0.00001; gnomAD 0.00001.
gnomAD v4.1: 2 of 1,613,494 alleles (0.00012%); highest among the groups gnomAD compares: Non-Finnish European, 0.00017%; no homozygotes.

Submission:

Labcorp Genetics (formerly Invitae), Labcorp
Classification: Uncertain significance. Last evaluated: 2022-09-14. Review status: criteria provided, single submitter. Criteria: Invitae Variant Classification Sherloc (09022015). Collection method: clinical testing. Allele origin: germline.
Comment: This variant has not been reported in the literature in individuals affected with RELA-related conditions. Algorithms developed to predict the effect of missense changes on protein structure and function (SIFT, PolyPhen-2, Align-GVGD) all suggest that this variant is likely to be disruptive. In summary, the available evidence is currently insufficient to determine the role of this variant in disease. Therefore, it has been classified as a Variant of Uncertain Significance. This variant is present in population databases (no rsID available, gnomAD 0.0009%). This sequence change replaces isoleucine, which is neutral and non-polar, with valine, which is neutral and non-polar, at codon 183 of the RELA protein (p.Ile183Val).